The following is an entry in ClinVar:

NM_017563.5(IL17RD):c.2065A>T (p.Thr689Ser)

Genes: IL17RD (interleukin 17 receptor D; minus strand), LOC126806689 (BRD4-independent group 4 enhancer GRCh37_chr3:57131244-57132443; plus strand). Cytogenetic location: 3p14.3.
Variant type: single nucleotide variant.
Coding change: c.2065A>T on transcript NM_017563.5 (MANE Select); coding-DNA position 2065, A replaced by T.
Protein change: p.Thr689Ser; replaces threonine 689 with serine.
Molecular consequence: missense variant.
Genome position (GRCh38, 1-based): chr3:57,097,638, T>A on the plus strand (A>T on the coding strand, the complement: IL17RD is on the minus strand). VCF-style: chr3-57097638-T-A. GRCh37 (hg19) VCF-style: chr3-57131666-T-A.
Other names: c.1633A>T, p.Thr545Ser (NM_001318864.2); c.2065A>T (NM_017563.4); short protein forms T545S, T689S.
Identifiers: ClinVar variation 4038217 (VCV004038217.2).

ClinVar aggregate classification (germline): Uncertain significance. Review status: criteria provided, multiple submitters, no conflicts (2 of 4 stars). 2 submissions from 2 submitters: Uncertain significance (2). Last evaluated 2026-07-06.

Conditions:
IL17RD-related disorder. Also called: IL17RD-related condition.

gnomAD v4.1: 42 of 1,594,610 alleles (0.0026%); highest among the groups gnomAD compares: Non-Finnish European, 0.0036%; no homozygotes.

Submissions (2):

PreventionGenetics, part of Exact Sciences
Classification: Uncertain significance for IL17RD-related condition. Last evaluated: 2026-07-06. Review status: criteria provided, single submitter. Criteria: ACMG Guidelines, 2015. Collection method: clinical testing. Allele origin: germline.
Comment: The IL17RD c.2065A>T variant is predicted to result in the amino acid substitution p.Thr689Ser. To our knowledge, this variant has not been reported in the literature or in a large population database (gnomAD), indicating this variant is rare. At this time, the clinical significance of this variant is uncertain due to the absence of conclusive functional and genetic evidence.

Ambry Genetics
Classification: Uncertain significance. Last evaluated: 2025-04-13. Review status: criteria provided, single submitter. Criteria: Ambry Variant Classification Scheme 2023. Collection method: clinical testing. Allele origin: germline.